The following is an entry in ClinVar:

ClinVar aggregate classification (germline): Uncertain significance. Review status: criteria provided, multiple submitters, no conflicts (2 of 4 stars). 2 submissions from 2 submitters: Uncertain significance (2). Last evaluated 2024-03-13.

Conditions:
Sotos syndrome (SOTOS). Also called: SOTOS SYNDROME 1; Sotos' syndrome; Distinctive facial appearance, overgrowth in childhood, and learning disabilities or delayed development; CEREBRAL GIGANTISM; CHROMOSOME 5q35 DELETION SYNDROME. Identifiers: Orphanet 821, MedGen C0175695, MONDO:0019349, OMIM 117550.

Submissions (2):

Fulgent Genetics
Classification: Uncertain significance for Sotos syndrome. Last evaluated: 2024-03-13. Review status: criteria provided, single submitter. Criteria: ACMG Guidelines, 2015. Collection method: clinical testing. Allele origin: germline.

GeneDx
Classification: Uncertain significance. Last evaluated: 2019-10-18. Review status: criteria provided, single submitter. Criteria: GeneDx Variant Classification Process June 2021. Collection method: clinical testing. Allele origin: germline. Affected: yes.
Comment: Not observed in large population cohorts (gnomAD); In silico analysis, which includes protein predictors and evolutionary conservation, supports that this variant does not alter protein structure/function; Has not been previously published as pathogenic or benign to our knowledge

NM_022455.5(NSD1):c.3277A>C (p.Ile1093Leu)

Gene: NSD1 (nuclear receptor binding SET domain protein 1; plus strand). Cytogenetic location: 5q35.3.
Variant type: single nucleotide variant.
Coding change: c.3277A>C on transcript NM_022455.5 (MANE Select); coding-DNA position 3277, A replaced by C.
Protein change: p.Ile1093Leu; replaces isoleucine 1093 with leucine.
Molecular consequence: missense variant.
Genome position (GRCh38, 1-based): chr5:177,211,676, A>C. VCF-style: chr5-177211676-A-C. GRCh37 (hg19) VCF-style: chr5-176638677-A-C.
Other names: c.2404A>C, p.Ile802Leu (NM_001365684.2, NM_001409306.1, NM_001409307.1 and 3 more transcripts); c.3277A>C, p.Ile1093Leu (NM_001409301.1, NM_001409302.1, NM_001409303.1); c.2857A>C, p.Ile953Leu (NM_001409304.1); c.2524A>C, p.Ile842Leu (NM_001409305.1); short protein forms I1093L, I802L, I842L, I953L.
Identifiers: ClinVar variation 2499805 (VCV002499805.2), dbSNP rs2062339988, ClinGen allele CA362323356.